The following is an entry in ClinVar:

ClinVar aggregate classification (germline): Uncertain significance. Review status: criteria provided, multiple submitters, no conflicts (2 of 4 stars). 2 submissions from 2 submitters: Uncertain significance (2). Last evaluated 2025-07-22.

Conditions:
Hereditary cancer-predisposing syndrome. Also called: Neoplastic Syndromes, Hereditary; Hereditary Cancer Syndrome; Tumor predisposition; Hereditary neoplastic syndrome. Identifiers: Orphanet 140162, MedGen C0027672, MeSH D009386, MONDO:0015356.
Oligodontia-cancer predisposition syndrome. Also called: TOOTH AGENESIS-COLORECTAL CANCER SYNDROME. Identifiers: Orphanet 300576, MedGen C1837750, MONDO:0012075, OMIM 608615. Disease mechanism: loss of function.

Submissions (2):

Labcorp Genetics (formerly Invitae), Labcorp
Classification: Uncertain significance for Oligodontia-cancer predisposition syndrome. Last evaluated: 2025-07-22. Review status: criteria provided, single submitter. Criteria: Invitae Variant Classification Sherloc (09022015). Collection method: clinical testing. Allele origin: germline.
Comment: This sequence change replaces serine, which is neutral and polar, with leucine, which is neutral and non-polar, at codon 180 of the AXIN2 protein (p.Ser180Leu). This variant is not present in population databases (gnomAD no frequency). This variant has not been reported in the literature in individuals affected with AXIN2-related conditions. ClinVar contains an entry for this variant (Variation ID: 582104). Invitae Evidence Modeling of protein sequence and biophysical properties (such as structural, functional, and spatial information, amino acid conservation, physicochemical variation, residue mobility, and thermodynamic stability) indicates that this missense variant is not expected to disrupt AXIN2 protein function with a negative predictive value of 80%. In summary, the available evidence is currently insufficient to determine the role of this variant in disease. Therefore, it has been classified as a Variant of Uncertain Significance.

Ambry Genetics
Classification: Uncertain significance for Hereditary cancer-predisposing syndrome. Last evaluated: 2025-06-09. Review status: criteria provided, single submitter. Criteria: Ambry Variant Classification Scheme 2023. Collection method: clinical testing. Allele origin: germline.
Comment: The p.S180L variant (also known as c.539C>T), located in coding exon 1 of the AXIN2 gene, results from a C to T substitution at nucleotide position 539. The serine at codon 180 is replaced by leucine, an amino acid with dissimilar properties. This amino acid position is conserved. In addition, this alteration is predicted to be tolerated by in silico analysis. Since supporting evidence is limited at this time, the clinical significance of this alteration remains unclear.

NM_004655.4(AXIN2):c.539C>T (p.Ser180Leu)

Gene: AXIN2 (axin 2; minus strand). Cytogenetic location: 17q24.1.
Variant type: single nucleotide variant.
Coding change: c.539C>T on transcript NM_004655.4 (MANE Select); coding-DNA position 539, C replaced by T.
Protein change: p.Ser180Leu; replaces serine 180 with leucine.
Molecular consequence: missense variant.
Genome position (GRCh38, 1-based): chr17:65,558,082, G>A on the plus strand (C>T on the coding strand, the complement: AXIN2 is on the minus strand). VCF-style: chr17-65558082-G-A. GRCh37 (hg19) VCF-style: chr17-63554200-G-A.
Other names: c.539C>T (LRG_296t1); c.539C>T, p.Ser180Leu (NM_001363813.1); short protein forms S180L.
Identifiers: ClinVar variation 582104 (VCV000582104.10), dbSNP rs1567768829, ClinGen allele CA400680970.